The following is an entry in ClinVar:

NM_170665.4(ATP2A2):c.1264_1265dup (p.Asp422fs)

Gene: ATP2A2 (ATPase sarcoplasmic/endoplasmic reticulum Ca2+ transporting 2; plus strand). Cytogenetic location: 12q24.11.
Variant type: Duplication.
Coding change: c.1264_1265dup on transcript NM_170665.4 (MANE Select); coding-DNA positions 1264 to 1265, 2 bases duplicated (GA; older notation c.1264_1265dupGA).
Protein change: p.Asp422fs; shifts the reading frame from aspartic acid 422.
Molecular consequence: frameshift variant.
Genome position (GRCh38, 1-based): chr12:110,333,260-110,333,261, GA duplicated. VCF-style (leftmost placement, unchanged base first): chr12-110333259-T-TGA. GRCh37 (hg19) VCF-style: chr12-110771064-T-TGA.
Other names: c.1159_1160dup, p.Asp387fs (NM_001413013.1); c.1264_1265dup, p.Asp422fs (NM_001413014.1, NM_001681.4); c.889_890dup, p.Asp297fs (NM_001413015.1); short protein forms D422fs, D297fs, D387fs.
Identifiers: ClinVar variation 4729037 (VCV004729037.1).

ClinVar aggregate classification (germline): Pathogenic (1 of 4 stars; one submission).

Submission:

Labcorp Genetics (formerly Invitae), Labcorp
Classification: Pathogenic. Last evaluated: 2025-10-12. Review status: criteria provided, single submitter. Criteria: Invitae Variant Classification Sherloc (09022015). Collection method: clinical testing. Allele origin: germline.
Comment: This sequence change creates a premature translational stop signal (p.Asp422Glufs*28) in the ATP2A2 gene. It is expected to result in an absent or disrupted protein product. Loss-of-function variants in ATP2A2 are known to be pathogenic (PMID: 10080178, 10441324). This variant is not present in population databases (gnomAD no frequency). This variant has not been reported in the literature in individuals affected with ATP2A2-related conditions. For these reasons, this variant has been classified as Pathogenic.

Literature cited by the submitters: PubMed 10080178; PubMed 10441324.